The following is an entry in ClinVar:

ClinVar aggregate classification (germline): Conflicting classifications of pathogenicity. Review status: criteria provided, conflicting classifications (1 of 4 stars). 5 submissions from 5 submitters: Pathogenic (1); Likely pathogenic (2); Uncertain significance (1). 1 of the submissions does not count toward it. Last evaluated 2024-10-09.

Conditions:
Alport syndrome. Also called: Hemorrhagic familial nephritis; Hemorrhagic hereditary nephritis; Congenital hereditary hematuria. Identifiers: Orphanet 63, MedGen C1567741, MONDO:0018965.
Autosomal recessive Alport syndrome (ATS2). Also called: ALPORT SYNDROME 2, AUTOSOMAL RECESSIVE; COL4A3-Related Nephropathy; Alport syndrome type 2; COL4A4 Alport Syndrome and Thin Basement Membrane Nephropathy. Identifiers: Orphanet 63, Orphanet 88919, MedGen C4746745, MONDO:0008762, OMIM 203780.
COL4A3-related disorder. Also called: COL4A3-related condition; COL4A3-Related Disorders.

Allele frequency attached by ClinVar (database versions not stated): ExAC 0.00001; gnomAD 0.00003; gnomAD exomes 0.00003 and 0.00008; ESP Exome Variant Server 0.00008.
gnomAD v4.1: 119 of 1,613,784 alleles (0.0074%); highest among the groups gnomAD compares: Non-Finnish European, 0.0098%; no homozygotes.

Submissions (5):

Victorian Clinical Genetics Services, Murdoch Childrens Research Institute
Classification: Uncertain significance for Alport syndrome. Last evaluated: 2024-10-09. Review status: criteria provided, single submitter. Criteria: ACMG Guidelines, 2015. Collection method: clinical testing. Allele origin: germline. Affected: yes.
Comment: Based on the classification scheme VCGS_Germline_v1.3.4, this variant is classified as VUS-3A. Following criteria are met: 0103 - Dominant negative and loss of function are known mechanisms of disease in this gene and are associated with Alport syndrome, MONDO:0018965, COL4A3-related. Glycine changes that are part of a G-X-Y repeat in the triple helix of a collagen domain are known to have a dominant negative effect (PMID: 12028435). (I) 0108 - This gene is associated with both recessive (Alport syndrome 2 MIM#203780) and dominant disease (Alport syndrome 3 MIM#104200) (OMIM). (I) 0200 - Variant is predicted to result in a missense amino acid change from cysteine to tyrosine. (I) 0251 - This variant is heterozygous. (I) 0304 - Variant is present in gnomAD (v2) <0.01 for a recessive condition (12 heterozygotes, 0 homozygotes). (SP) 0501 - Missense variant consistently predicted to be damaging by multiple in silico tools or highly conserved with a major amino acid change. (SP) 0600 - Variant is located in the annotated C-terminal tandem repeated domain in type 4 procollagen domain, and is involved in a disulphide bond (DECIPHER). (I) 0704 - Another missense variant comparable to the one identified in this case has limited previous evidence for pathogenicity. p.(Cys1665Ser) has been classified as likely pathogenic by a clinical laboratory in ClinVar who observed the variant in an individual with autosomal recessive Alport syndrome. (SP) 0802 - This variant has moderate previous evidence of pathogenicity in unrelated individuals. This variant has been classified as likely pathogenic, pathogenic, or a VUS by clinical laboratories in Clinvar, one of whom observed the variant in an individual with autosomal recessive Alport syndrome. This variant has also been observed in two individuals with Alport syndrome in the literature, once as likely compound heterozygous and once in an individual who also had a COL4A4 missense variant (PMIDs: 24052634, 25575550). (SP) 1007 - No published functional evidence has been identified for this variant. (I) Legend: (SP) - Supporting pathogenic, (I) - Information, (SB) - Supporting benign

Labcorp Genetics (formerly Invitae), Labcorp
Classification: Pathogenic. Last evaluated: 2024-03-07. Review status: criteria provided, single submitter. Criteria: Invitae Variant Classification Sherloc (09022015). Collection method: clinical testing. Allele origin: germline.
Comment: This sequence change replaces cysteine, which is neutral and slightly polar, with tyrosine, which is neutral and polar, at codon 1665 of the COL4A3 protein (p.Cys1665Tyr). This variant is present in population databases (rs376550779, gnomAD 0.008%). This missense change has been observed in individual(s) with autosomal recessive Alport syndrome (PMID: 24052634; Invitae). In at least one individual the data is consistent with being in trans (on the opposite chromosome) from a pathogenic variant. ClinVar contains an entry for this variant (Variation ID: 445315). Advanced modeling of protein sequence and biophysical properties (such as structural, functional, and spatial information, amino acid conservation, physicochemical variation, residue mobility, and thermodynamic stability) performed at Invitae indicates that this missense variant is expected to disrupt COL4A3 protein function with a positive predictive value of 80%. This variant disrupts the p.Cys1665 amino acid residue in COL4A3. Other variant(s) that disrupt this residue have been determined to be pathogenic (PMID: 24052634; Invitae). This suggests that this residue is clinically significant, and that variants that disrupt this residue are likely to be disease-causing. For these reasons, this variant has been classified as Pathogenic.

Blueprint Genetics
Classification: Likely pathogenic for COL4A3-related disorders. Last evaluated: 2023-01-09. Review status: criteria provided, single submitter. Criteria: ACMG Guidelines, 2015. Collection method: clinical testing. Allele origin: germline. Affected: yes. Observed: 5 variant alleles.

Center for Pediatric Genomic Medicine, Children's Mercy Hospital and Clinics
Classification: Likely pathogenic. Last evaluated: 2017-03-17. Review status: criteria provided, single submitter. Criteria: ACMG Guidelines, 2015. Collection method: clinical testing. Allele origin: germline.

Counsyl
Classification: Uncertain significance for Autosomal recessive Alport syndrome. Last evaluated: 2018-03-20. Review status: no assertion criteria provided. Collection method: clinical testing. Allele origin: unknown. Not counted in ClinVar's aggregate classification.

Literature cited by the submitters: PubMed 12028435 (cited by Victorian Clinical Genetics Services, Murdoch Childrens Research Institute); PubMed 24052634 (cited by 3 submitters); PubMed 25575550 (cited by Victorian Clinical Genetics Services, Murdoch Childrens Research Institute and Counsyl).

NM_000091.5(COL4A3):c.4994G>A (p.Cys1665Tyr)

Genes: COL4A3 (collagen type IV alpha 3 chain; plus strand), MFF-DT (MFF divergent transcript; minus strand). Cytogenetic location: 2q36.3.
Variant type: single nucleotide variant.
Coding change: c.4994G>A on transcript NM_000091.5 (MANE Select); coding-DNA position 4994, G replaced by A.
Protein change: p.Cys1665Tyr; replaces cysteine 1665 with tyrosine.
Molecular consequence: missense variant.
Genome position (GRCh38, 1-based): chr2:227,311,851, G>A. VCF-style: chr2-227311851-G-A. GRCh37 (hg19) VCF-style: chr2-228176567-G-A.
Other names: short protein forms C1665Y.
Identifiers: ClinVar variation 445315 (VCV000445315.11), dbSNP rs376550779, ClinGen allele CA2147702.
Genomic context (GRCh38, chr2:227,311,851, plus strand): 5'-CTATTCCATCAACTGTGAAAGCTGGGGAATTAGAAAAAATAATAAGTCGCTGTCAGGTGT[G>A]CATGAAGAAAAGACACTGAAGCTAAAAAAGACAGCAGAACTGCTATTTTTCATCCTAAAG-3'
Protein context (NP_000082.2, residues 1655-1670): LEKIISRCQV[Cys1665Tyr]MKKRH